The following is an entry in ClinVar:

NM_004360.5(CDH1):c.415T>A (p.Leu139Met)

Gene: CDH1 (cadherin 1; plus strand). Cytogenetic location: 16q22.1.
Variant type: single nucleotide variant.
Coding change: c.415T>A on transcript NM_004360.5 (MANE Select); coding-DNA position 415, T replaced by A.
Protein change: p.Leu139Met; replaces leucine 139 with methionine.
Molecular consequence: missense variant. On other transcripts: 5 prime UTR variant (2).
Genome position (GRCh38, 1-based): chr16:68,808,451, T>A. VCF-style: chr16-68808451-T-A. GRCh37 (hg19) VCF-style: chr16-68842354-T-A.
Other names: c.415T>A, p.Leu139Met (NM_001317184.2); c.-1201T>A (NM_001317185.2); c.-1405T>A (NM_001317186.2); short protein forms L139M.
Identifiers: ClinVar variation 4539157 (VCV004539157.1).
Genomic context (GRCh38, chr16:68,808,451, plus strand): 5'-TCTTATCTTGTTCCTCATCTTCTTTCCTTTTAGGCCTCCGTTTCTGGAATCCAAGCAGAA[T>A]TGCTCACATTTCCCAACTCCTCTCCTGGCCTCAGAAGACAGAAGAGAGACTGGGTTATTC-3'
Protein context (NP_004351.1, residues 129-149): QASVSGIQAE[Leu139Met]LTFPNSSPGL

ClinVar aggregate classification (germline): Uncertain significance (1 of 4 stars; one submission).

Submission:

Center for Genomic Medicine, Rigshospitalet, Copenhagen University Hospital
Classification: Uncertain significance. Last evaluated: 2025-12-29. Review status: criteria provided, single submitter. Criteria: ACMG Guidelines, 2015. Collection method: clinical testing. Allele origin: germline.
Comment: Classification criteria: PM2_supporting